The following is an entry in ClinVar:

ClinVar aggregate classification (germline): Likely benign (1 of 4 stars; one submission).

Allele frequency attached by ClinVar (database versions not stated): gnomAD exomes 0.00001 and 0.00002; TOPMed 0.00002; ExAC 0.00005.
gnomAD v4.1: 7 of 1,614,058 alleles (0.00043%); highest among the groups gnomAD compares: Admixed American, 0.01%; no homozygotes.

Submission:

ARUP Laboratories, Molecular Genetics and Genomics, ARUP Laboratories
Classification: Likely benign. Last evaluated: 2017-12-08. Review status: criteria provided, single submitter. Criteria: ARUP Molecular Germline Variant Investigation Process. Collection method: clinical testing. Allele origin: germline.
Comment: The c.858G>T; p.Gly286Gly variant (rs747484849) does not alter the amino acid sequence of the TEK protein and computational splice site prediction algorithms do not predict a change in the nearest splice site or creation of a cryptic splice site. This variant has not been reported in association with vascular malformations in the medical literature or in gene specific variation databases. The c.858G>T variant is listed in the genome Aggregation Database (gnomAD) with a Latino population frequency of 0.02 percent (identified on 6 out of 33,556 chromosomes). Based on these observations, the c.858G>T variant is likely to be benign.

NM_000459.5(TEK):c.858G>T (p.Gly286=)

Gene: TEK (TEK receptor tyrosine kinase; plus strand). Cytogenetic location: 9p21.2.
Variant type: single nucleotide variant.
Coding change: c.858G>T on transcript NM_000459.5 (MANE Select); coding-DNA position 858, G replaced by T.
Protein change: p.Gly286=; no amino-acid change (glycine 286 retained).
Molecular consequence: synonymous variant.
Genome position (GRCh38, 1-based): chr9:27,173,319, G>T. VCF-style: chr9-27173319-G-T. GRCh37 (hg19) VCF-style: chr9-27173317-G-T.
Other names: c.858G>T, p.Gly286= (NM_001375476.1, NM_001290077.2, NM_001375475.1); c.546G>T, p.Gly182= (NM_001290078.2).
Identifiers: ClinVar variation 618422 (VCV000618422.9), dbSNP rs747484849, ClinGen allele CA5016034.